The following is an entry in ClinVar:

ClinVar aggregate classification (germline): Uncertain significance (1 of 4 stars; one submission).

Conditions:
Cataract 21 multiple types. Also called: CATARACT 21, MULTIPLE TYPES, WITH MICROCORNEA; CATARACT 21, CERULEAN, WITH OR WITHOUT MICROCORNEA; CATARACT 21, MULTIPLE TYPES, WITH OR WITHOUT MICROCORNEA; Cataract, congenital, cerulean type, 4. Identifiers: Orphanet 91492, MedGen C1857768, MONDO:0012437, OMIM 610202.
Ayme-Gripp syndrome. Also called: Aymé-Gripp Syndrome. Identifiers: MedGen C1832812, MONDO:0010992, OMIM 601088.

Submission:

Labcorp Genetics (formerly Invitae), Labcorp
Classification: Uncertain significance for Cataract 21 multiple types; Ayme-Gripp syndrome. Last evaluated: 2021-08-29. Review status: criteria provided, single submitter. Criteria: Invitae Variant Classification Sherloc (09022015). Collection method: clinical testing. Allele origin: germline.
Comment: This variant is not present in population databases (ExAC no frequency). This variant has been observed in individual(s) with clinical features of MAF-related conditions (Invitae). Algorithms developed to predict the effect of missense changes on protein structure and function are either unavailable or do not agree on the potential impact of this missense change (SIFT: "Deleterious"; PolyPhen-2: "Probably Damaging"; Align-GVGD: "Class C0"). In summary, the available evidence is currently insufficient to determine the role of this variant in disease. Therefore, it has been classified as a Variant of Uncertain Significance. This sequence change replaces leucine with arginine at codon 266 of the MAF protein (p.Leu266Arg). The leucine residue is highly conserved and there is a moderate physicochemical difference between leucine and arginine.

NM_005360.5(MAF):c.797T>G (p.Leu266Arg)

Gene: MAF (MAF bZIP transcription factor; minus strand). Cytogenetic location: 16q23.2.
Variant type: single nucleotide variant.
Coding change: c.797T>G on transcript NM_005360.5 (MANE Select); coding-DNA position 797, T replaced by G.
Protein change: p.Leu266Arg; replaces leucine 266 with arginine.
Molecular consequence: missense variant.
Genome position (GRCh38, 1-based): chr16:79,599,106, A>C on the plus strand (T>G on the coding strand, the complement: MAF is on the minus strand). VCF-style: chr16-79599106-A-C. GRCh37 (hg19) VCF-style: chr16-79633003-A-C.
Other names: c.797T>G, p.Leu266Arg (NM_001031804.3); short protein forms L266R.
Identifiers: ClinVar variation 1470812 (VCV001470812.9), dbSNP rs2143802492, ClinGen allele CA396535208.